The following is an entry in ClinVar:

NM_006031.6(PCNT):c.3625A>G (p.Thr1209Ala)

Gene: PCNT (pericentrin; plus strand). Cytogenetic location: 21q22.3.
Variant type: single nucleotide variant.
Coding change: c.3625A>G on transcript NM_006031.6 (MANE Select); coding-DNA position 3625, A replaced by G.
Protein change: p.Thr1209Ala; replaces threonine 1209 with alanine.
Molecular consequence: missense variant.
Genome position (GRCh38, 1-based): chr21:46,389,216, A>G. VCF-style: chr21-46389216-A-G. GRCh37 (hg19) VCF-style: chr21-47809131-A-G.
Other names: c.3271A>G, p.Thr1091Ala (NM_001315529.2); short protein forms T1091A, T1209A.
Identifiers: ClinVar variation 4994173 (VCV004994173.1).

ClinVar aggregate classification (germline): Uncertain significance (1 of 4 stars; one submission).

Conditions:
PCNT-related disorder. Also called: PCNT-related condition.

Submission:

PreventionGenetics, part of Exact Sciences
Classification: Uncertain significance for PCNT-related condition. Last evaluated: 2026-07-30. Review status: criteria provided, single submitter. Criteria: ACMG Guidelines, 2015. Collection method: clinical testing. Allele origin: germline.
Comment: The PCNT c.3625A>G variant is predicted to result in the amino acid substitution p.Thr1209Ala. To our knowledge, this variant has not been reported in the literature or in a large population database (gnomAD), indicating this variant is rare. At this time, the clinical significance of this variant is uncertain due to the absence of conclusive functional and genetic evidence.